The following is an entry in ClinVar:

ClinVar aggregate classification (germline): Pathogenic. Review status: criteria provided, multiple submitters, no conflicts (2 of 4 stars). 3 submissions from 3 submitters: Pathogenic (3). Last evaluated 2026-01-06.

Conditions:
ITGB2-related disorder. Also called: ITGB2-related condition.
Leukocyte adhesion deficiency 1 (LAD1). Also called: LAD 1; Lymphocyte function-associated antigen 1 immunodeficiency; LFA 1 immunodeficiency; LEUKOCYTE ADHESION DEFICIENCY, TYPE I. Identifiers: Orphanet 2968, Orphanet 99842, MedGen C0398738, MONDO:0007293, OMIM 116920.

Allele frequency attached by ClinVar (database versions not stated): TOPMed 0.00002; gnomAD exomes 0.00004; ESP Exome Variant Server 0.00015; gnomAD 0.00001; ExAC 0.00002.

Submissions (3):

Labcorp Genetics (formerly Invitae), Labcorp
Classification: Pathogenic for Leukocyte adhesion deficiency 1. Last evaluated: 2026-01-06. Review status: criteria provided, single submitter. Criteria: Invitae Variant Classification Sherloc (09022015). Collection method: clinical testing. Allele origin: germline.
Comment: This sequence change creates a premature translational stop signal (p.Arg188*) in the ITGB2 gene. It is expected to result in an absent or disrupted protein product. Loss-of-function variants in ITGB2 are known to be pathogenic (PMID: 22134107, 25703682). This variant is present in population databases (rs148877937, gnomAD 0.01%). This premature translational stop signal has been observed in individuals with leukocyte adhesion deficiency (PMID: 16595236, 21103413, 30412664). ClinVar contains an entry for this variant (Variation ID: 636972). For these reasons, this variant has been classified as Pathogenic.

Blueprint Genetics
Classification: Pathogenic for ITGB2-related disorders. Last evaluated: 2024-10-22. Review status: criteria provided, single submitter. Criteria: ACMG Guidelines, 2015. Collection method: clinical testing. Allele origin: germline. Affected: yes. Observed: 5 variant alleles.

Laboratorio de Genetica e Diagnostico Molecular, Hospital Israelita Albert Einstein
Classification: Pathogenic for Leukocyte adhesion deficiency 1. Last evaluated: 2022-02-08. Review status: criteria provided, single submitter. Criteria: ACMG Guidelines, 2015. Collection method: clinical testing. Allele origin: germline. Affected: yes.
Comment: ACMG classification criteria: PVS1 very strong, PS4 strong, PM2 moderate, PM3 strong

Literature cited by the submitters: PubMed 22134107 (cited by Labcorp Genetics (formerly Invitae), Labcorp); PubMed 25703682 (cited by Labcorp Genetics (formerly Invitae), Labcorp); PubMed 16595236 (cited by Labcorp Genetics (formerly Invitae), Labcorp); PubMed 21103413 (cited by Labcorp Genetics (formerly Invitae), Labcorp); PubMed 30412664 (cited by Labcorp Genetics (formerly Invitae), Labcorp).

NM_000211.5(ITGB2):c.562C>T (p.Arg188Ter)

Gene: ITGB2 (integrin subunit beta 2; minus strand). Cytogenetic location: 21q22.3.
Variant type: single nucleotide variant.
Coding change: c.562C>T on transcript NM_000211.5 (MANE Select); coding-DNA position 562, C replaced by T.
Protein change: p.Arg188Ter; replaces arginine 188 with a stop codon.
Molecular consequence: nonsense.
Genome position (GRCh38, 1-based): chr21:44,901,671, G>A on the plus strand (C>T on the coding strand, the complement: ITGB2 is on the minus strand). VCF-style: chr21-44901671-G-A. GRCh37 (hg19) VCF-style: chr21-46321586-G-A.
Other names: c.562C>T, p.Arg188Ter (NM_001127491.3); c.355C>T, p.Arg119Ter (NM_001303238.2); short protein forms R188*, R119*.
Identifiers: ClinVar variation 636972 (VCV000636972.12), dbSNP rs148877937, ClinGen allele CA10063160.
Genomic context (GRCh38, chr21:44,901,671, plus strand): 5'-GCACGTGCCTGAAGGCAAACGGGGGCTGGCACTCTTTCTCCTTGTTGGGGCATGGGTTTC[G>A]CAGCTTATCAGGGTGCGTGTTCACGAACGGCAGCACGGTCTTGTCCACGAAGGACCCGAA-3'